The following is an entry in ClinVar:

NM_001271696.3(ABCB7):c.1278T>C (p.Phe426=)

Gene: ABCB7 (ATP binding cassette subfamily B member 7; minus strand). Cytogenetic location: Xq13.3.
Variant type: single nucleotide variant.
Coding change: c.1278T>C on transcript NM_001271696.3 (MANE Select); coding-DNA position 1278, T replaced by C.
Protein change: p.Phe426=; no amino-acid change (phenylalanine 426 retained).
Molecular consequence: synonymous variant.
Genome position (GRCh38, 1-based): chrX:75,070,452, A>G on the plus strand (T>C on the coding strand, the complement: ABCB7 is on the minus strand). VCF-style: chrX-75070452-A-G. GRCh37 (hg19) VCF-style: chrX-74290287-A-G.
Other names: c.1281T>C (NM_004299.4); c.1158T>C, p.Phe386= (NM_001271697.3); c.1200T>C, p.Phe400= (NM_001271698.3); c.1161T>C, p.Phe387= (NM_001271699.3); c.1281T>C, p.Phe427= (NM_004299.6).
Identifiers: ClinVar variation 2875141 (VCV002875141.4), dbSNP rs1410518430, ClinGen allele CA517284423.

ClinVar aggregate classification (germline): Benign/Likely benign. Review status: criteria provided, multiple submitters, no conflicts (2 of 4 stars). 2 submissions from 2 submitters: Benign (1); Likely benign (1). Last evaluated 2026-05-11.

Conditions:
ABCB7-related disorder. Also called: ABCB7-related condition.

Allele frequency attached by ClinVar (database versions not stated): gnomAD exomes below 0.00001.
gnomAD v4.1: 2 of 1,210,520 alleles (0.00017%); highest among the groups gnomAD compares: Admixed American, 0.0022%; no homozygotes.

Submissions (2):

PreventionGenetics, part of Exact Sciences
Classification: Likely benign for ABCB7-related condition. Last evaluated: 2026-05-11. Review status: criteria provided, single submitter. Criteria: ACMG Guidelines, 2015. Collection method: clinical testing. Allele origin: germline.
Comment: This variant is classified as likely benign based on ACMG/AMP sequence variant interpretation guidelines (Richards et al. 2015 PMID: 25741868, with internal and published modifications).

Labcorp Genetics (formerly Invitae), Labcorp
Classification: Benign. Last evaluated: 2024-06-17. Review status: criteria provided, single submitter. Criteria: Invitae Variant Classification Sherloc (09022015). Collection method: clinical testing. Allele origin: germline.